The following is an entry in ClinVar:

NM_000243.3(MEFV):c.1134C>A (p.His378Gln)

Gene: MEFV (MEFV innate immunity regulator, pyrin; minus strand). Cytogenetic location: 16p13.3.
Variant type: single nucleotide variant.
Coding change: c.1134C>A on transcript NM_000243.3 (MANE Select); coding-DNA position 1134, C replaced by A.
Protein change: p.His378Gln; replaces histidine 378 with glutamine.
Molecular consequence: missense variant.
Genome position (GRCh38, 1-based): chr16:3,249,557, G>T on the plus strand (C>A on the coding strand, the complement: MEFV is on the minus strand). VCF-style: chr16-3249557-G-T. GRCh37 (hg19) VCF-style: chr16-3299557-G-T.
Other names: c.501C>A, p.His167Gln (NM_001198536.2); short protein forms H167Q, H378Q.
Identifiers: ClinVar variation 4847433 (VCV004847433.1).
Genomic context (GRCh38, chr16:3,249,557, plus strand): 5'-GCAGATGAGGCAGATGGGCTCATCGTGATCCTCACAGAAGAGCAGCTGGACCTGCTTCAG[G>T]TGGCGCTTACACTGTGGCAGGGGCTGGGGGCTTAGGCTTCCCGGGCTCTTCCTTTCATGG-3'
Protein context (NP_000234.1, residues 368-388): SPQPLPQCKR[His378Gln]LKQVQLLFCE

ClinVar aggregate classification (germline): Uncertain significance (1 of 4 stars; one submission).

gnomAD v4.1: 6 of 1,614,116 alleles (0.00037%); highest among the groups gnomAD compares: Non-Finnish European, 0.00051%; no homozygotes.

Submission:

Women's Health and Genetics/Laboratory Corporation of America, LabCorp
Classification: Uncertain significance. Last evaluated: 2026-03-06. Review status: criteria provided, single submitter. Criteria: LabCorp Variant Classification Summary - May 2015. Collection method: clinical testing. Allele origin: germline.
Comment: Variant summary: MEFV c.1134C>A (p.His378Gln) results in a non-conservative amino acid change in the encoded protein sequence. Algorithms developed to predict the effect of missense changes on protein structure and function are either unavailable or do not agree on the potential impact of this missense change. The variant allele was found at a frequency of 4e-06 in 251264 control chromosomes. The available data on variant occurrences in the general population are insufficient to allow any conclusion about variant significance. To our knowledge, no occurrence of c.1134C>A in individuals affected with MEFV-related conditions and no experimental evidence demonstrating its impact on protein function have been reported. No submitters have cited clinical-significance assessments for this variant to ClinVar. Based on the evidence outlined above, the variant was classified as uncertain significance.